The following is an entry in ClinVar:

ClinVar aggregate classification (germline): Conflicting classifications of pathogenicity. Review status: criteria provided, conflicting classifications (1 of 4 stars). 2 submissions from 2 submitters: Pathogenic (1); Uncertain significance (1). Last evaluated 2025-02-20.

Allele frequency attached by ClinVar (database versions not stated): gnomAD exomes below 0.00001.
gnomAD v4.1: 2 of 1,612,606 alleles (0.00012%); highest among the groups gnomAD compares: Non-Finnish European, 0.000085%; no homozygotes.

Submissions (2):

Labcorp Genetics (formerly Invitae), Labcorp
Classification: Pathogenic. Last evaluated: 2025-02-20. Review status: criteria provided, single submitter. Criteria: Invitae Variant Classification Sherloc (09022015). Collection method: clinical testing. Allele origin: germline.
Comment: This sequence change replaces phenylalanine, which is neutral and non-polar, with serine, which is neutral and polar, at codon 330 of the KCNV2 protein (p.Phe330Ser). This variant is not present in population databases (gnomAD no frequency). This missense change has been observed in individual(s) with clinical features of retinal cone dystrophy (PMID: 21882291). It has also been observed to segregate with disease in related individuals. ClinVar contains an entry for this variant (Variation ID: 867120). Invitae Evidence Modeling of protein sequence and biophysical properties (such as structural, functional, and spatial information, amino acid conservation, physicochemical variation, residue mobility, and thermodynamic stability) indicates that this missense variant is expected to disrupt KCNV2 protein function with a positive predictive value of 95%. For these reasons, this variant has been classified as Pathogenic.

Blueprint Genetics
Classification: Uncertain significance. Last evaluated: 2019-03-25. Review status: criteria provided, single submitter. Criteria: ACMG Guidelines, 2015. Collection method: clinical testing. Allele origin: germline.

Literature cited by the submitters: PubMed 21882291 (cited by Labcorp Genetics (formerly Invitae), Labcorp).

NM_133497.4(KCNV2):c.989T>C (p.Phe330Ser)

Gene: KCNV2 (potassium voltage-gated channel modifier subfamily V member 2; plus strand). Cytogenetic location: 9p24.2.
Variant type: single nucleotide variant.
Coding change: c.989T>C on transcript NM_133497.4 (MANE Select); coding-DNA position 989, T replaced by C.
Protein change: p.Phe330Ser; replaces phenylalanine 330 with serine.
Molecular consequence: missense variant.
Genome position (GRCh38, 1-based): chr9:2,718,728, T>C. VCF-style: chr9-2718728-T-C. GRCh37 (hg19) VCF-style: chr9-2718728-T-C.
Other names: short protein forms F330S.
Identifiers: ClinVar variation 867120 (VCV000867120.3), dbSNP rs1819797955, ClinGen allele CA372801225.